The following is an entry in ClinVar:

NM_000447.3(PSEN2):c.1177G>A (p.Val393Met)

Gene: PSEN2 (presenilin 2; plus strand). Cytogenetic location: 1q42.13.
Variant type: single nucleotide variant.
Coding change: c.1177G>A on transcript NM_000447.3 (MANE Select); coding-DNA position 1177, G replaced by A.
Protein change: p.Val393Met; replaces valine 393 with methionine.
Molecular consequence: missense variant.
Genome position (GRCh38, 1-based): chr1:226,894,111, G>A. VCF-style: chr1-226894111-G-A. GRCh37 (hg19) VCF-style: chr1-227081812-G-A.
Other names: p.Val393Met; c.1174G>A, p.Val392Met (NM_012486.3); short protein forms V392M, V393M.
Identifiers: ClinVar variation 875452 (VCV000875452.47), dbSNP rs142690225, ClinGen allele CA1424823.
Genomic context (GRCh38, chr1:226,894,111, plus strand): 5'-CTGGTGGGCAAGGCGGCTGCCACGGGCAGCGGGGACTGGAATACCACGCTGGCCTGCTTC[G>A]TGGCCATCCTCATTGTGAGTGGCTGGGGATGCGTCCAGCTGCCTCGTGGTGGGGGCCCCC-3'
Protein context (NP_000438.2, residues 383-403): GDWNTTLACF[Val393Met]AILIGLCLTL

ClinVar aggregate classification (germline): Uncertain significance. Review status: criteria provided, multiple submitters, no conflicts (2 of 4 stars). 7 submissions from 6 submitters: Uncertain significance (7). Last evaluated 2025-03-01.

Conditions:
Alzheimer disease 4 (AD4). Identifiers: Orphanet 1020, MedGen C1847200, MONDO:0011743, OMIM 606889.
Dilated cardiomyopathy 1V (CMD1V). Identifiers: Orphanet 154, MedGen C3150958, MONDO:0013373, OMIM 613697.
PSEN2-related disorder. Also called: PSEN2-related condition.

Allele frequency attached by ClinVar (database versions not stated): TOPMed 0.00009; gnomAD 0.00011 and 0.00012; gnomAD exomes 0.00011; ExAC 0.00013; ESP Exome Variant Server 0.00015; 1000 Genomes Project 30x 0.00016; 1000 Genomes Project 0.00020.
gnomAD v4.1: 393 of 1,614,008 alleles (0.024%); highest among the groups gnomAD compares: Non-Finnish European, 0.032%; no homozygotes.

Submissions (7):

Labcorp Genetics (formerly Invitae), Labcorp
Classification: Uncertain significance for Alzheimer disease 4. Last evaluated: 2025-03-01. Review status: criteria provided, single submitter. Criteria: Invitae Variant Classification Sherloc (09022015). Collection method: clinical testing. Allele origin: germline.
Comment: This sequence change replaces valine, which is neutral and non-polar, with methionine, which is neutral and non-polar, at codon 393 of the PSEN2 protein (p.Val393Met). This variant is present in population databases (rs142690225, gnomAD 0.02%). This missense change has been observed in individuals with early onset Alzheimer disease (PMID: 18727676; internal data). ClinVar contains an entry for this variant (Variation ID: 875452). Invitae Evidence Modeling of protein sequence and biophysical properties (such as structural, functional, and spatial information, amino acid conservation, physicochemical variation, residue mobility, and thermodynamic stability) has been performed for this missense variant. However, the output from this modeling did not meet the statistical confidence thresholds required to predict the impact of this variant on PSEN2 protein function. Experimental studies have shown that this missense change does not substantially affect PSEN2 function (PMID: 32087291). In summary, the available evidence is currently insufficient to determine the role of this variant in disease. Therefore, it has been classified as a Variant of Uncertain Significance.

PreventionGenetics, part of Exact Sciences
Classification: Uncertain significance for PSEN2-related condition. Last evaluated: 2024-10-22. Review status: criteria provided, single submitter. Criteria: ACMG Guidelines, 2015. Collection method: clinical testing. Allele origin: germline.
Comment: The PSEN2 c.1177G>A variant is predicted to result in the amino acid substitution p.Val393Met. This variant has been reported in an individual with Alzheimer disease (Lindquist et al. 2008. PubMed ID: 18727676). The results of in vitro experimental studies are inconclusive (Lindquist et al. 2008. PubMed ID: 18727676; Hsu et al. 2020. PubMed ID: 32087291). This variant is reported in 0.022% of alleles in individuals of European (Non-Finnish) descent in gnomAD. At this time, the clinical significance of this variant is uncertain due to the absence of conclusive functional and genetic evidence.

Mayo Clinic Laboratories, Mayo Clinic
Classification: Uncertain significance. Last evaluated: 2023-12-21. Review status: criteria provided, single submitter. Criteria: ACMG Guidelines, 2015. Collection method: clinical testing. Allele origin: germline. Observed: 1 variant allele.
Comment: BS2, PP3

Fulgent Genetics
Classification: Uncertain significance for Alzheimer disease 4; Dilated cardiomyopathy 1V. Last evaluated: 2021-12-20. Review status: criteria provided, single submitter. Criteria: ACMG Guidelines, 2015. Collection method: clinical testing. Allele origin: unknown.

CeGaT Center for Human Genetics Tuebingen
Classification: Uncertain significance. Last evaluated: 2021-04-01. Review status: criteria provided, single submitter. Criteria: CeGaT Center For Human Genetics Tuebingen Variant Classification Criteria Version 2. Collection method: clinical testing. Allele origin: germline. Affected: yes. Observed: 1 variant allele.

Illumina Laboratory Services, Illumina
Classification: Uncertain significance for Alzheimer disease 4. Last evaluated: 2017-04-27. Review status: criteria provided, single submitter. Criteria: ICSL Variant Classification Criteria 13 December 2019. Collection method: clinical testing. Allele origin: germline.
Comment: This variant was observed as part of a predisposition screen in an ostensibly healthy population. A literature search was performed for the gene, cDNA change, and amino acid change (where applicable). Publications were found based on this search. However, the evidence from the literature, in combination with allele frequency data from public databases where available, was not sufficient to rule this variant in or out of causing disease. Therefore, this variant is classified as a variant of unknown significance.

Illumina Laboratory Services, Illumina
Classification: Uncertain significance for Dilated cardiomyopathy 1V. Last evaluated: 2017-04-27. Review status: criteria provided, single submitter. Criteria: ICSL Variant Classification Criteria 13 December 2019. Collection method: clinical testing. Allele origin: germline.

Literature cited by the submitters: PubMed 18727676 (cited by 3 submitters); PubMed 32087291 (cited by Labcorp Genetics (formerly Invitae), Labcorp and Mayo Clinic Laboratories, Mayo Clinic); PubMed 19659892 (cited by Mayo Clinic Laboratories, Mayo Clinic and Illumina Laboratory Services, Illumina); PubMed 20375137 (cited by Mayo Clinic Laboratories, Mayo Clinic and Illumina Laboratory Services, Illumina); PubMed 20420489 (cited by Mayo Clinic Laboratories, Mayo Clinic and Illumina Laboratory Services, Illumina); PubMed 24669286 (cited by Mayo Clinic Laboratories, Mayo Clinic and Illumina Laboratory Services, Illumina); PubMed 29692703 (cited by Mayo Clinic Laboratories, Mayo Clinic); PubMed 30412492 (cited by Mayo Clinic Laboratories, Mayo Clinic); PubMed 36117051 (cited by Mayo Clinic Laboratories, Mayo Clinic).